The following is an entry in ClinVar:

NM_001430.5(EPAS1):c.2407T>C (p.Cys803Arg)

Gene: EPAS1 (endothelial PAS domain protein 1; plus strand). Cytogenetic location: 2p21.
Variant type: single nucleotide variant.
Coding change: c.2407T>C on transcript NM_001430.5 (MANE Select); coding-DNA position 2407, T replaced by C.
Protein change: p.Cys803Arg; replaces cysteine 803 with arginine.
Molecular consequence: missense variant.
Genome position (GRCh38, 1-based): chr2:46,382,544, T>C. VCF-style: chr2-46382544-T-C. GRCh37 (hg19) VCF-style: chr2-46609683-T-C.
Other names: short protein forms C803R.
Identifiers: ClinVar variation 1790818 (VCV001790818.2), dbSNP rs1684923500, ClinGen allele CA346706280.

ClinVar aggregate classification (germline): Uncertain significance (1 of 4 stars; one submission).

Conditions:
Inborn genetic diseases. Identifiers: MedGen C0950123, MeSH D030342.

Submission:

Ambry Genetics
Classification: Uncertain significance for Inborn genetic diseases. Last evaluated: 2021-09-30. Review status: criteria provided, single submitter. Criteria: Ambry Variant Classification Scheme 2023. Collection method: clinical testing. Allele origin: germline.
Comment: The p.C803R variant (also known as c.2407T>C), located in coding exon 15 of the EPAS1 gene, results from a T to C substitution at nucleotide position 2407. The cysteine at codon 803 is replaced by arginine, an amino acid with highly dissimilar properties. This amino acid position is conserved. In addition, this alteration is predicted to be tolerated by in silico analysis. Since supporting evidence is limited at this time, the clinical significance of this alteration remains unclear.